The following is an entry in ClinVar:

ClinVar aggregate classification (germline): Likely benign. Review status: reviewed by expert panel (3 of 4 stars). 4 submissions from 4 submitters: Likely benign (1). 3 of the submissions do not count toward it. Last evaluated 2024-07-11.

Conditions:
Inborn genetic diseases. Identifiers: MedGen C0950123, MeSH D030342.
Hereditary thrombocytopenia and hematological cancer predisposition syndrome associated with RUNX1. Also called: Familial Platelet Disorder with Propensity to Acute Myelogenous Leukemia; Familial thrombocytopenia with propensity to acute myelogenous leukemia; RUNX1 Familial Platelet Disorder with Associated Myeloid Malignancies; PLATELET DISORDER, ASPIRIN-LIKE. Identifiers: Orphanet 71290, MedGen C1832388, MeSH C563324, MONDO:0100083, OMIM 601399.
Hereditary thrombocytopenia and hematologic cancer predisposition syndrome. Identifiers: Orphanet 71290, MedGen CN281654, MONDO:0011071.

Allele frequency attached by ClinVar (database versions not stated): gnomAD exomes 0.00005; TOPMed 0.00002; 1000 Genomes Project 30x 0.00016; 1000 Genomes Project 0.00020; gnomAD 0.00001 and 0.00002; ExAC 0.00005.
gnomAD v4.1: 34 of 1,612,982 alleles (0.0021%); highest among the groups gnomAD compares: Admixed American, 0.0067%; no homozygotes.

Submissions (4):

ClinGen Myeloid Malignancy Variant Curation Expert Panel
Classification: Likely benign for Hereditary thrombocytopenia and hematologic cancer predisposition syndrome. Last evaluated: 2024-07-11. Review status: reviewed by expert panel. Criteria: ClinGen MyeloMalig ACMG Specifications v2. Collection method: curation. Allele origin: germline. Inheritance: Autosomal dominant inheritance.
Comment: NM_001754.5(RUNX1):c.737C>T (p.Thr246Met) is a missense variant. The highest population minor allele frequency in gnomAD v3.1.2 is 0.00002942 (2/67986 alleles) in the European (non-Finnish) population (PM2_supporting, BS1, and BA1 not met). This missense variant has a REVEL score < 0.50 (0.4) and a SpliceAI score ≤ 0.20 (0.01) (BP4). Transactivation assays in HeLa cells showed no significant decrease in transactivation compared to the WT allele (88.74% with luciferase reporter and 112.2% with GMZA reporter), indicating that this variant does not impact protein function (PMID 34166225) (BS3_supporting). In summary, the clinical significance of this variant is likely benign. ACMG/AMP criteria applied, as specified by the Myeloid Malignancy Variant Curation Expert Panel for RUNX1: BS3_supporting, BP4.

Ambry Genetics
Classification: Uncertain significance for Inborn genetic diseases. Last evaluated: 2025-12-11. Review status: criteria provided, single submitter. Criteria: Ambry Variant Classification Scheme 2023. Collection method: clinical testing. Allele origin: germline. Not counted in ClinVar's aggregate classification.
Comment: The p.T246M variant (also known as c.737C>T), located in coding exon 6 of the RUNX1 gene, results from a C to T substitution at nucleotide position 737. The threonine at codon 246 is replaced by methionine, an amino acid with similar properties. In one functional study, this variant was found to have levels of transcriptional activity that were similar to wild-type (Li Y et al. J Clin Invest, 2021 Jun;131:). This amino acid position is well conserved in available vertebrate species. In addition, the in silico prediction for this alteration is inconclusive. Based on the available evidence, the clinical significance of this variant remains unclear.

Labcorp Genetics (formerly Invitae), Labcorp
Classification: Uncertain significance for Hereditary thrombocytopenia and hematological cancer predisposition syndrome associated with RUNX1. Last evaluated: 2025-11-02. Review status: criteria provided, single submitter. Criteria: Invitae Variant Classification Sherloc (09022015). Collection method: clinical testing. Allele origin: germline. Not counted in ClinVar's aggregate classification.
Comment: This sequence change replaces threonine, which is neutral and polar, with methionine, which is neutral and non-polar, at codon 246 of the RUNX1 protein (p.Thr246Met). This variant is present in population databases (rs555366994, gnomAD 0.01%). This missense change has been observed in individual(s) with acute lymphoblastic leukemia (PMID: 34166225). ClinVar contains an entry for this variant (Variation ID: 239054). Invitae Evidence Modeling of protein sequence and biophysical properties (such as structural, functional, and spatial information, amino acid conservation, physicochemical variation, residue mobility, and thermodynamic stability) has been performed for this missense variant. However, the output from this modeling did not meet the statistical confidence thresholds required to predict the impact of this variant on RUNX1 protein function. Experimental studies have shown that this missense change does not substantially affect RUNX1 function (PMID: 34166225). In summary, the available evidence is currently insufficient to determine the role of this variant in disease. Therefore, it has been classified as a Variant of Uncertain Significance.

GeneDx
Classification: Uncertain significance. Last evaluated: 2024-02-28. Review status: criteria provided, single submitter. Criteria: GeneDx Variant Classification Process June 2021. Collection method: clinical testing. Allele origin: germline. Not counted in ClinVar's aggregate classification.
Comment: Observed in individuals with B-cell or T-cell acute lymphoblastic leukemia (PMID: 34166225); Published functional studies suggest no damaging effect: transcriptional activity similar to wildtype (PMID: 34166225); In silico analysis supports that this missense variant has a deleterious effect on protein structure/function; This variant is associated with the following publications: (PMID: 34166225)

Literature cited by the submitters: PubMed 34166225 (cited by Ambry Genetics and Labcorp Genetics (formerly Invitae), Labcorp).

NM_001754.5(RUNX1):c.737C>T (p.Thr246Met)

Gene: RUNX1 (RUNX family transcription factor 1; minus strand). Cytogenetic location: 21q22.12.
Variant type: single nucleotide variant.
Coding change: c.737C>T on transcript NM_001754.5 (MANE Select); coding-DNA position 737, C replaced by T.
Protein change: p.Thr246Met; replaces threonine 246 with methionine.
Molecular consequence: missense variant.
Genome position (GRCh38, 1-based): chr21:34,834,478, G>A on the plus strand (C>T on the coding strand, the complement: RUNX1 is on the minus strand). VCF-style: chr21-34834478-G-A. GRCh37 (hg19) VCF-style: chr21-36206775-G-A.
Other names: NM_001754.5(RUNX1):c.737C>T; p.Thr246Met; c.656C>T, p.Thr219Met (NM_001001890.3, NM_001122607.2); short protein forms T246M, T219M.
Identifiers: ClinVar variation 239054 (VCV000239054.14), dbSNP rs555366994, ClinGen allele CA10014365.